The following is an entry in ClinVar:

NM_001079872.2(CUL4B):c.1835T>C (p.Leu612Pro)

Gene: CUL4B (cullin 4B; minus strand). Cytogenetic location: Xq24.
Variant type: single nucleotide variant.
Coding change: c.1835T>C on transcript NM_001079872.2 (MANE Select); coding-DNA position 1835, T replaced by C.
Protein change: p.Leu612Pro; replaces leucine 612 with proline.
Molecular consequence: missense variant.
Genome position (GRCh38, 1-based): chrX:120,538,677, A>G on the plus strand (T>C on the coding strand, the complement: CUL4B is on the minus strand). VCF-style: chrX-120538677-A-G. GRCh37 (hg19) VCF-style: chrX-119672532-A-G.
Other names: c.1850T>C, p.Leu617Pro (NM_001330624.2); c.1301T>C, p.Leu434Pro (NM_001369145.1); c.1889T>C, p.Leu630Pro (NM_003588.4); short protein forms L434P, L612P, L617P, L630P.
Identifiers: ClinVar variation 1687214 (VCV001687214.1), dbSNP rs2147328180, ClinGen allele CA414195436.

ClinVar aggregate classification (germline): Uncertain significance (1 of 4 stars; one submission).

Conditions:
X-linked intellectual disability Cabezas type (MRXSC). Also called: CABEZAS SYNDROME; MENTAL RETARDATION, X-LINKED, SYNDROMIC 15; Intellectual developmental disorder, X-linked syndromic, Cabezas type. Identifiers: Orphanet 85289, Orphanet 85293, MedGen C1845861, MONDO:0010306, OMIM 300354.

Submission:

3billion
Classification: Uncertain significance for X-linked intellectual disability Cabezas type. Last evaluated: 2022-05-22. Review status: criteria provided, single submitter. Criteria: ACMG Guidelines, 2015. Collection method: clinical testing. Allele origin: germline. Affected: yes. Observed: 1 hemizygote.
Comment: The variant is not observed in the gnomAD v2.1.1 dataset. In silico tool predictions suggest damaging effect of the variant on gene or gene product (REVEL: 0.88; 3Cnet: 0.83). Therefore, this variant is classified as uncertain significanceaccording to the recommendation of ACMG/AMP guideline.